The following is an entry in ClinVar:

NM_001035.3(RYR2):c.2121T>A (p.Pro707=)

Gene: RYR2 (ryanodine receptor 2; plus strand). Cytogenetic location: 1q43.
Variant type: single nucleotide variant.
Coding change: c.2121T>A on transcript NM_001035.3 (MANE Select); coding-DNA position 2121, T replaced by A.
Protein change: p.Pro707=; no amino-acid change (proline 707 retained).
Molecular consequence: synonymous variant.
Genome position (GRCh38, 1-based): chr1:237,496,670, T>A. VCF-style: chr1-237496670-T-A. GRCh37 (hg19) VCF-style: chr1-237659970-T-A.
Other names: c.2121T>A (NM_001035.2).
Identifiers: ClinVar variation 1434530 (VCV001434530.47), dbSNP rs1004858931, ClinGen allele CA39825168.

ClinVar aggregate classification (germline): Uncertain significance. Review status: criteria provided, multiple submitters, no conflicts (2 of 4 stars). 2 submissions from 2 submitters: Uncertain significance (2). Last evaluated 2025-07-09.

Conditions:
Cardiovascular phenotype. Identifiers: MedGen CN230736.
Catecholaminergic polymorphic ventricular tachycardia 1. Also called: VENTRICULAR TACHYCARDIA, CATECHOLAMINERGIC POLYMORPHIC, 1, WITH OR WITHOUT ATRIAL DYSFUNCTION AND/OR DILATED CARDIOMYOPATHY; RYR2-Related Catecholaminergic Polymorphic Ventricular Tachycardia; VENTRICULAR TACHYCARDIA, STRESS-INDUCED POLYMORPHIC 1. Identifiers: Orphanet 3286, MedGen C1631597, MONDO:0011484, OMIM 604772.

Allele frequency attached by ClinVar (database versions not stated): gnomAD 0.00001; TOPMed 0.00001.

Submissions (2):

Labcorp Genetics (formerly Invitae), Labcorp
Classification: Uncertain significance for Catecholaminergic polymorphic ventricular tachycardia 1. Last evaluated: 2025-07-09. Review status: criteria provided, single submitter. Criteria: Invitae Variant Classification Sherloc (09022015). Collection method: clinical testing. Allele origin: germline.
Comment: This sequence change affects codon 707 of the RYR2 mRNA. It is a 'silent' change, meaning that it does not change the encoded amino acid sequence of the RYR2 protein. This variant is not present in population databases (gnomAD no frequency). This variant has not been reported in the literature in individuals affected with RYR2-related conditions. ClinVar contains an entry for this variant (Variation ID: 1434530). Algorithms developed to predict the effect of sequence changes on RNA splicing suggest that this variant may create or strengthen a splice site. In summary, the available evidence is currently insufficient to determine the role of this variant in disease. Therefore, it has been classified as a Variant of Uncertain Significance.

Ambry Genetics
Classification: Uncertain significance for Cardiovascular phenotype. Last evaluated: 2024-07-03. Review status: criteria provided, single submitter. Criteria: Ambry Variant Classification Scheme 2023. Collection method: clinical testing. Allele origin: germline.
Comment: The c.2121T>A variant (also known as p.P707P), located in coding exon 20 of the RYR2 gene, results from a T to A substitution at nucleotide position 2121. This nucleotide substitution does not change the amino acid at codon 707. This nucleotide position is poorly conserved in available vertebrate species. In silico splice site analysis predicts that this alteration may result in the creation or strengthening of a novel splice acceptor site. Based on the available evidence, the clinical significance of this variant remains unclear.